The following is an entry in ClinVar:

ClinVar aggregate classification (germline): Uncertain significance (1 of 4 stars; one submission).

Conditions:
Nephronophthisis 15 (NPHP15). Identifiers: Orphanet 3156, MedGen C3541853, MONDO:0013917, OMIM 614845.

Allele frequency attached by ClinVar (database versions not stated): gnomAD 0.00001; TOPMed 0.00001.
gnomAD v4.1: 2 of 1,613,200 alleles (0.00012%); highest among the groups gnomAD compares: African/African-American, 0.0027%; no homozygotes.

Submission:

Labcorp Genetics (formerly Invitae), Labcorp
Classification: Uncertain significance for Nephronophthisis 15. Last evaluated: 2022-04-01. Review status: criteria provided, single submitter. Criteria: Invitae Variant Classification Sherloc (09022015). Collection method: clinical testing. Allele origin: germline.
Comment: In summary, the available evidence is currently insufficient to determine the role of this variant in disease. Therefore, it has been classified as a Variant of Uncertain Significance. This variant is not present in population databases (gnomAD no frequency). Algorithms developed to predict the effect of missense changes on protein structure and function are either unavailable or do not agree on the potential impact of this missense change (SIFT: "Deleterious"; PolyPhen-2: "Benign"; Align-GVGD: "Class C25"). This variant has not been reported in the literature in individuals affected with CEP164-related conditions. This sequence change replaces isoleucine, which is neutral and non-polar, with valine, which is neutral and non-polar, at codon 38 of the CEP164 protein (p.Ile38Val).

NM_014956.5(CEP164):c.112A>G (p.Ile38Val)

Gene: CEP164 (centrosomal protein 164; plus strand). Cytogenetic location: 11q23.3.
Variant type: single nucleotide variant.
Coding change: c.112A>G on transcript NM_014956.5 (MANE Select); coding-DNA position 112, A replaced by G.
Protein change: p.Ile38Val; replaces isoleucine 38 with valine.
Molecular consequence: missense variant.
Genome position (GRCh38, 1-based): chr11:117,344,195, A>G. VCF-style: chr11-117344195-A-G. GRCh37 (hg19) VCF-style: chr11-117214911-A-G.
Other names: c.112A>G, p.Ile38Val (NM_001271933.2); short protein forms I38V.
Identifiers: ClinVar variation 1398770 (VCV001398770.8), dbSNP rs978689124, ClinGen allele CA229375182.